The following is an entry in ClinVar:

GRCh38/hg38 Xp22.33-22.31(chrX:10679-6495923)x1

Genes: AKAP17A (A-kinase anchoring protein 17A; plus strand), ARSD (arylsulfatase D; minus strand), ARSD-AS1 (ARSD antisense RNA 1; plus strand), ARSF (arylsulfatase F; plus strand), ARSH (arylsulfatase family member H; plus strand) and 78 more. Cytogenetic location: Xp22.33-22.31.
Variant type: copy number loss.
Change: copy number 1 of chrX:10,679-6,495,923 (6.49 Mb, GRCh38 coordinates, 1-based), cytogenetic band Xp22.33-22.31.
Identifiers: ClinVar variation 59169 (VCV000059169.1).

ClinVar aggregate classification (germline): Pathogenic (1 of 4 stars; one submission).

Submission:

ISCA site 14
Classification: Pathogenic. Last evaluated: 2011-08-12. Review status: criteria provided, single submitter. Criteria: Kaminsky et al. (Genet Med. 2011). Collection method: clinical testing. Allele origin: unknown. Affected: yes. Observed: 1 variant allele.
Comment: Copy number variation identified through the course of routine clinical cytogenomic testing in postnatal populations. Clinical assertions have been curated as described in Kaminsky et al. 2011.